The following is an entry in ClinVar:

NM_033028.5(BBS4):c.325A>C (p.Arg109=)

Gene: BBS4 (Bardet-Biedl syndrome 4; plus strand). Cytogenetic location: 15q24.1.
Variant type: single nucleotide variant.
Coding change: c.325A>C on transcript NM_033028.5 (MANE Select); coding-DNA position 325, A replaced by C.
Protein change: p.Arg109=; no amino-acid change (arginine 109 retained).
Molecular consequence: synonymous variant. On other transcripts: 5 prime UTR variant (1), non-coding transcript variant (2).
Genome position (GRCh38, 1-based): chr15:72,715,395, A>C. VCF-style: chr15-72715395-A-C. GRCh37 (hg19) VCF-style: chr15-73007736-A-C.
Other names: c.325A>C (NM_033028.4); c.-197A>C (NM_001252678.2); c.325A>C, p.Arg109= (NM_001320665.2).
Identifiers: ClinVar variation 1555525 (VCV001555525.10), dbSNP rs199809442, ClinGen allele CA7646575.
Genomic context (GRCh38, chr15:72,715,395, plus strand): 5'-CTCTTCCAGACATGTGCAGTTCTTAGTCCTCAGAGTGCTGATAACCTCAAGCAGGTGGCC[A>C]GATCTTTGTGAGTATTGGCAACCTGGAGGCCCTAGGGCACTCACAGAGAACAGTGTAAAA-3'
Protein context (NP_149017.2, residues 99-119): QSADNLKQVA[Arg109=]SLFLLGKHKA

ClinVar aggregate classification (germline): Likely benign. Review status: criteria provided, single submitter (1 of 4 stars). 2 submissions from 2 submitters: Likely benign (1). 1 of the submissions does not count toward it. Last evaluated 2025-12-08.

Conditions:
Bardet-Biedl syndrome (BBS). Identifiers: Orphanet 110, MedGen C0752166, MONDO:0015229.
BBS4-related disorder. Also called: BBS4-related condition.

Allele frequency attached by ClinVar (database versions not stated): gnomAD exomes 0.00001; ExAC 0.00003; gnomAD 0.00004 and 0.00005; TOPMed 0.00004; 1000 Genomes Project 0.00040; 1000 Genomes Project 30x 0.00047.
gnomAD v4.1: 7 of 1,612,838 alleles (0.00043%); highest among the groups gnomAD compares: African/African-American, 0.0093%; no homozygotes.

Submissions (2):

Labcorp Genetics (formerly Invitae), Labcorp
Classification: Likely benign for Bardet-Biedl syndrome. Last evaluated: 2025-12-08. Review status: criteria provided, single submitter. Criteria: Invitae Variant Classification Sherloc (09022015). Collection method: clinical testing. Allele origin: germline.

PreventionGenetics, part of Exact Sciences
Classification: Likely benign for BBS4-related condition. Last evaluated: 2021-07-19. Review status: no assertion criteria provided. Collection method: clinical testing. Allele origin: germline. Not counted in ClinVar's aggregate classification.
Comment: This variant is classified as likely benign based on ACMG/AMP sequence variant interpretation guidelines (Richards et al. 2015 PMID: 25741868, with internal and published modifications).